The following is an entry in ClinVar:

ClinVar aggregate classification (germline): Uncertain significance. Review status: criteria provided, single submitter (1 of 4 stars). 2 submissions from 2 submitters: Uncertain significance (1). 1 of the submissions does not count toward it. Last evaluated 2026-08-05.

Conditions:
Cone dystrophy with supernormal rod response (CDSRR). Also called: CONE DYSTROPHY WITH SUPERNORMAL ROD RESPONSES. Identifiers: Orphanet 209932, MedGen C1835897, MONDO:0012475, OMIM 610356.
Retinal disorder. Also called: Retinal disorders; Retinopathies; Retinal Diseases; Retinopathy. Identifiers: MedGen C0035309, MONDO:0005283, HP:0000488.

gnomAD v4.1: 15 of 1,610,624 alleles (0.00093%); highest among the groups gnomAD compares: African/African-American, 0.0013%; no homozygotes.

Submissions (2):

Genetics Laboratory, Great Ormond Street Hospital NHS Foundation Trust, North Thames Genomic Laboratory Hub
Classification: Uncertain significance for Retinal disorders. Last evaluated: 2026-08-05. Review status: criteria provided, single submitter. Criteria: ACGS Best Practice Guidelines for Variant Classification in Rare Disease 2024 v1.2. Collection method: clinical testing. Allele origin: germline. Affected: yes.
Comment: PM2_moderate, PP3_supporting, PM3_supporting

OMIM
Classification: drug response for CONE DYSTROPHY WITH SUPERNORMAL ROD RESPONSES. Last evaluated: 2006-09-01. Review status: no assertion criteria provided. Collection method: literature only. Allele origin: germline. Not counted in ClinVar's aggregate classification.

Literature cited by the submitters: PubMed 16909397 (cited by OMIM).

NM_133497.4(KCNV2):c.767C>G (p.Ser256Trp)

Gene: KCNV2 (potassium voltage-gated channel modifier subfamily V member 2; plus strand). Cytogenetic location: 9p24.2.
Variant type: single nucleotide variant.
Coding change: c.767C>G on transcript NM_133497.4 (MANE Select); coding-DNA position 767, C replaced by G.
Protein change: p.Ser256Trp; replaces serine 256 with tryptophan.
Molecular consequence: missense variant.
Genome position (GRCh38, 1-based): chr9:2,718,506, C>G. VCF-style: chr9-2718506-C-G. GRCh37 (hg19) VCF-style: chr9-2718506-C-G.
Other names: short protein forms S256W.
Identifiers: ClinVar variation 3014 (VCV000003014.3), dbSNP rs104894116, ClinGen allele CA115923.